The following is an entry in ClinVar:

ClinVar aggregate classification (germline): Benign (1 of 4 stars; one submission).

Allele frequency attached by ClinVar (database versions not stated): 1000 Genomes Project 0.04233; 1000 Genomes Project 30x 0.04575; gnomAD 0.07228 and 0.07584; TOPMed 0.07354.
gnomAD v4.1: 11,112 of 152,258 alleles (7.3%); highest among the groups gnomAD compares: Non-Finnish European, 8.8%; 444 homozygotes.

Submission:

GeneDx
Classification: Benign. Last evaluated: 2018-06-19. Review status: criteria provided, single submitter. Criteria: GeneDx Variant Classification (06012015). Collection method: clinical testing. Allele origin: germline. Affected: yes.
Comment: This variant is considered likely benign or benign based on one or more of the following criteria: it is a conservative change, it occurs at a poorly conserved position in the protein, it is predicted to be benign by multiple in silico algorithms, and/or has population frequency not consistent with disease.

NM_024120.5(NDUFAF5):c.376-327T>C

Gene: NDUFAF5 (NADH:ubiquinone oxidoreductase complex assembly factor 5; plus strand). Cytogenetic location: 20p12.1.
Variant type: single nucleotide variant.
Coding change: c.376-327T>C on transcript NM_024120.5 (MANE Select); 327 bases into the intron before coding-DNA position 376, T replaced by C.
Molecular consequence: intron variant.
Genome position (GRCh38, 1-based): chr20:13,794,511, T>C. VCF-style: chr20-13794511-T-C. GRCh37 (hg19) VCF-style: chr20-13775157-T-C.
Other names: c.-186-327T>C (NM_001352407.2, NM_001352406.2); c.395+1284T>C (NM_001039375.3); c.8+1284T>C (NM_001352403.2); c.376-327T>C (NM_001352408.2).
Identifiers: ClinVar variation 671305 (VCV000671305.1), dbSNP rs13038630, ClinGen allele CA14784395.